The following is an entry in ClinVar:

NR_003051.4(RMRP):n.63G>A

Gene: RMRP (RNA component of mitochondrial RNA processing endoribonuclease; minus strand). Cytogenetic location: 9p13.3.
Variant type: single nucleotide variant.
Genome position: GRCh38 VCF-style: chr9-35657957-C-T. GRCh37 (hg19) VCF-style: chr9-35657954-C-T.
Identifiers: ClinVar variation 533760 (VCV000533760.8), dbSNP rs544069410, ClinGen allele CA192745667.

ClinVar aggregate classification (germline): Uncertain significance. Review status: criteria provided, multiple submitters, no conflicts (2 of 4 stars). 3 submissions from 3 submitters: Uncertain significance (2). 1 of the submissions does not count toward it. Last evaluated 2022-10-25.

Conditions:
Metaphyseal chondrodysplasia, McKusick type (CHH). Also called: Cartilage-Hair Hypoplasia (CHH); Cartilage-hair hypoplasia. Identifiers: Orphanet 175, MedGen C0220748, MONDO:0009595, OMIM 250250.
Anauxetic dysplasia. Identifiers: Orphanet 93347, MedGen C1846796, MONDO:0011773.

Allele frequency attached by ClinVar (database versions not stated): TOPMed 0.00002; 1000 Genomes Project 30x 0.00016; 1000 Genomes Project 0.00020.
gnomAD v4.1: 17 of 700,378 alleles (0.0024%); highest among the groups gnomAD compares: Admixed American, 0.004%; no homozygotes.

Submissions (3):

Labcorp Genetics (formerly Invitae), Labcorp
Classification: Uncertain significance for Anauxetic dysplasia. Last evaluated: 2022-10-25. Review status: criteria provided, single submitter. Criteria: Invitae Variant Classification Sherloc (09022015). Collection method: clinical testing. Allele origin: germline.
Comment: This variant occurs in the RMRP gene, which encodes an RNA molecule that does not result in a protein product. This variant is present in population databases (rs544069410, gnomAD 0.002%). This variant has been observed in individual(s) with cartilage hair hypoplasia (PMID: 21570718). This variant is also known as g.61G>A. ClinVar contains an entry for this variant (Variation ID: 533760). Experimental studies and prediction algorithms are not available or were not evaluated, and the functional significance of this variant is currently unknown. In summary, the available evidence is currently insufficient to determine the role of this variant in disease. Therefore, it has been classified as a Variant of Uncertain Significance.

Women's Health and Genetics/Laboratory Corporation of America, LabCorp
Classification: Uncertain significance. Last evaluated: 2021-09-28. Review status: criteria provided, single submitter. Criteria: LabCorp Variant Classification Summary - May 2015. Collection method: clinical testing. Allele origin: germline.
Comment: Variant summary: RMRP n.62G>A alters a nucleotide in the non-coding RNA. The variant allele was found at a frequency of 7.7e-06 in 130474 control chromosomes. The available data on variant occurrences in the general population are insufficient to allow any conclusion about variant significance. n.62G>A has been reported in the literature in at least one individual affected with Cartilage-Hair Hypoplasia (Fuente_2011). These data do not allow any conclusion about variant significance. To our knowledge, no experimental evidence demonstrating an impact on protein function has been reported. Two clinical diagnostic laboratories have submitted clinical-significance assessments for this variant to ClinVar after 2014 without evidence for independent evaluation. Both laboratories classified the variant as uncertain significance. Based on the evidence outlined above, the variant was classified as uncertain significance.

Natera, Inc.
Classification: Uncertain significance for Cartilage-hair hypoplasia. Last evaluated: 2020-09-16. Review status: no assertion criteria provided. Collection method: clinical testing. Allele origin: germline. Not counted in ClinVar's aggregate classification.

Literature cited by the submitters: PubMed 21570718 (cited by Labcorp Genetics (formerly Invitae), Labcorp and Women's Health and Genetics/Laboratory Corporation of America, LabCorp).